The following is an entry in ClinVar:

NM_144585.4(SLC22A12):c.374G>A (p.Ser125Asn)

Gene: SLC22A12 (solute carrier family 22 member 12; plus strand). Cytogenetic location: 11q13.1.
Variant type: single nucleotide variant.
Coding change: c.374G>A on transcript NM_144585.4 (MANE Select); coding-DNA position 374, G replaced by A.
Protein change: p.Ser125Asn; replaces serine 125 with asparagine.
Molecular consequence: missense variant. On other transcripts: 5 prime UTR variant (1).
Genome position (GRCh38, 1-based): chr11:64,591,930, G>A. VCF-style: chr11-64591930-G-A. GRCh37 (hg19) VCF-style: chr11-64359402-G-A.
Other names: c.374G>A, p.Ser125Asn (NM_001276326.2, NM_001276327.2); c.-135G>A (NM_153378.3); short protein forms S125N.
Identifiers: ClinVar variation 879686 (VCV000879686.9), dbSNP rs764360606, ClinGen allele CA6077036.

ClinVar aggregate classification (germline): Uncertain significance. Review status: criteria provided, multiple submitters, no conflicts (2 of 4 stars). 3 submissions from 3 submitters: Uncertain significance (3). Last evaluated 2024-05-06.

Conditions:
Dalmatian hypouricemia (RHUC1). Identifiers: MedGen C0473219, MONDO:0020728, OMIM 220150.

Allele frequency attached by ClinVar (database versions not stated): gnomAD below 0.00001 and 0.00001; ExAC 0.00002; gnomAD exomes 0.00002 and 0.00004.

Submissions (3):

Fulgent Genetics
Classification: Uncertain significance for Dalmatian hypouricemia. Last evaluated: 2024-05-06. Review status: criteria provided, single submitter. Criteria: ACMG Guidelines, 2015. Collection method: clinical testing. Allele origin: germline.

Labcorp Genetics (formerly Invitae), Labcorp
Classification: Uncertain significance. Last evaluated: 2022-03-21. Review status: criteria provided, single submitter. Criteria: Invitae Variant Classification Sherloc (09022015). Collection method: clinical testing. Allele origin: germline.
Comment: This variant has not been reported in the literature in individuals affected with SLC22A12-related conditions. In summary, the available evidence is currently insufficient to determine the role of this variant in disease. Therefore, it has been classified as a Variant of Uncertain Significance. Algorithms developed to predict the effect of missense changes on protein structure and function are either unavailable or do not agree on the potential impact of this missense change (SIFT: "Tolerated"; PolyPhen-2: "Possibly Damaging"; Align-GVGD: "Class C0"). ClinVar contains an entry for this variant (Variation ID: 879686). This variant is present in population databases (rs764360606, gnomAD 0.03%). This sequence change replaces serine, which is neutral and polar, with asparagine, which is neutral and polar, at codon 125 of the SLC22A12 protein (p.Ser125Asn).

Illumina Laboratory Services, Illumina
Classification: Uncertain significance for Dalmatian hypouricemia. Last evaluated: 2018-01-13. Review status: criteria provided, single submitter. Criteria: ICSL Variant Classification Criteria 13 December 2019. Collection method: clinical testing. Allele origin: germline.